The following is an entry in ClinVar:

ClinVar aggregate classification (germline): Likely benign (1 of 4 stars; one submission).

Submission:

CeGaT Center for Human Genetics Tuebingen
Classification: Likely benign. Last evaluated: 2024-02-01. Review status: criteria provided, single submitter. Criteria: CeGaT Center For Human Genetics Tuebingen Variant Classification Criteria Version 2. Collection method: clinical testing. Allele origin: germline. Affected: yes. Observed: 1 variant allele.
Comment: ACAN: BP4, BP7

NM_001369268.1(ACAN):c.2970G>A (p.Glu990=)

Gene: ACAN (aggrecan; plus strand). Cytogenetic location: 15q26.1.
Variant type: single nucleotide variant.
Coding change: c.2970G>A on transcript NM_001369268.1 (MANE Select); coding-DNA position 2970, G replaced by A.
Protein change: p.Glu990=; no amino-acid change (glutamic acid 990 retained).
Molecular consequence: synonymous variant.
Genome position (GRCh38, 1-based): chr15:88,855,555, G>A. VCF-style: chr15-88855555-G-A. GRCh37 (hg19) VCF-style: chr15-89398786-G-A.
Other names: c.2970G>A, p.Glu990= (NM_001135.4, NM_001411096.1, NM_001411097.1 and 1 more transcripts).
Identifiers: ClinVar variation 3025694 (VCV003025694.22), dbSNP rs1352246995, ClinGen allele CA492285448.